The following is an entry in ClinVar:

ClinVar aggregate classification (germline): Likely benign. Review status: criteria provided, multiple submitters, no conflicts (2 of 4 stars). 2 submissions from 2 submitters: Likely benign (2). Last evaluated 2025-11-05.

Conditions:
Familial hemiplegic migraine. Identifiers: MedGen C0338484, MONDO:0000700.

Allele frequency attached by ClinVar (database versions not stated): gnomAD 0.00002; gnomAD exomes 0.00002 and 0.00004; TOPMed 0.00003; ExAC 0.00004.
gnomAD v4.1: 30 of 1,613,878 alleles (0.0019%); highest among the groups gnomAD compares: Middle Eastern, 0.066%; 1 homozygote.

Submissions (2):

Labcorp Genetics (formerly Invitae), Labcorp
Classification: Likely benign for Familial hemiplegic migraine. Last evaluated: 2025-11-05. Review status: criteria provided, single submitter. Criteria: Invitae Variant Classification Sherloc (09022015). Collection method: clinical testing. Allele origin: germline.

GeneDx
Classification: Likely benign. Last evaluated: 2017-08-24. Review status: criteria provided, single submitter. Criteria: GeneDx Variant Classification (06012015). Collection method: clinical testing. Allele origin: germline. Affected: yes.
Comment: This variant is considered likely benign or benign based on one or more of the following criteria: it is a conservative change, it occurs at a poorly conserved position in the protein, it is predicted to be benign by multiple in silico algorithms, and/or has population frequency not consistent with disease.

NM_000702.4(ATP1A2):c.2942+16G>A

Gene: ATP1A2 (ATPase Na+/K+ transporting subunit alpha 2; plus strand). Cytogenetic location: 1q23.2.
Variant type: single nucleotide variant.
Coding change: c.2942+16G>A on transcript NM_000702.4 (MANE Select); 16 bases into the intron after coding-DNA position 2942, G replaced by A.
Molecular consequence: intron variant.
Genome position (GRCh38, 1-based): chr1:160,139,757, G>A. VCF-style: chr1-160139757-G-A. GRCh37 (hg19) VCF-style: chr1-160109547-G-A.
Identifiers: ClinVar variation 511657 (VCV000511657.5), dbSNP rs776114360, ClinGen allele CA1194879.